The following is an entry in ClinVar:

NM_144596.4(TTC8):c.749C>T (p.Ser250Leu)

Gene: TTC8 (tetratricopeptide repeat domain 8; plus strand). Cytogenetic location: 14q31.3.
Variant type: single nucleotide variant.
Coding change: c.749C>T on transcript NM_144596.4 (MANE Select); coding-DNA position 749, C replaced by T.
Protein change: p.Ser250Leu; replaces serine 250 with leucine.
Molecular consequence: missense variant. On other transcripts: non-coding transcript variant (1).
Genome position (GRCh38, 1-based): chr14:88,857,228, C>T. VCF-style: chr14-88857228-C-T. GRCh37 (hg19) VCF-style: chr14-89323572-C-T.
Other names: c.797C>T, p.Ser266Leu (NM_001288781.1); c.155C>T, p.Ser52Leu (NM_001288782.1); c.32C>T, p.Ser11Leu (NM_001288783.1); c.719C>T, p.Ser240Leu (NM_001366535.2, NM_198309.3); c.629C>T, p.Ser210Leu (NM_001366536.2, NM_198310.3); c.749C>T (NM_144596.3); short protein forms S250L, S11L, S266L, S52L, S210L, S240L.
Identifiers: ClinVar variation 1477998 (VCV001477998.6), dbSNP rs943156593, ClinGen allele CA264567151.

ClinVar aggregate classification (germline): Uncertain significance. Review status: criteria provided, single submitter (1 of 4 stars). 2 submissions from 2 submitters: Uncertain significance (1). 1 of the submissions does not count toward it. Last evaluated 2025-01-06.

Conditions:
TTC8-related disorder. Also called: TTC8-related condition.
Bardet-Biedl syndrome (BBS). Identifiers: Orphanet 110, MedGen C0752166, MONDO:0015229.

Allele frequency attached by ClinVar (database versions not stated): TOPMed 0.00001.

Submissions (2):

Labcorp Genetics (formerly Invitae), Labcorp
Classification: Uncertain significance for Bardet-Biedl syndrome. Last evaluated: 2025-01-06. Review status: criteria provided, single submitter. Criteria: Invitae Variant Classification Sherloc (09022015). Collection method: clinical testing. Allele origin: germline.
Comment: This sequence change replaces serine, which is neutral and polar, with leucine, which is neutral and non-polar, at codon 240 of the TTC8 protein (p.Ser240Leu). This variant is not present in population databases (gnomAD no frequency). This variant has not been reported in the literature in individuals affected with TTC8-related conditions. ClinVar contains an entry for this variant (Variation ID: 1477998). Invitae Evidence Modeling of protein sequence and biophysical properties (such as structural, functional, and spatial information, amino acid conservation, physicochemical variation, residue mobility, and thermodynamic stability) has been performed for this missense variant. However, the output from this modeling did not meet the statistical confidence thresholds required to predict the impact of this variant on TTC8 protein function. In summary, the available evidence is currently insufficient to determine the role of this variant in disease. Therefore, it has been classified as a Variant of Uncertain Significance.

PreventionGenetics, part of Exact Sciences
Classification: Uncertain significance for TTC8-related condition. Last evaluated: 2024-09-14. Review status: no assertion criteria provided. Collection method: clinical testing. Allele origin: germline. Not counted in ClinVar's aggregate classification.
Comment: The TTC8 c.749C>T variant is predicted to result in the amino acid substitution p.Ser250Leu. To our knowledge, this variant has not been reported in the literature or in a large population database, indicating this variant is rare. At this time, the clinical significance of this variant is uncertain due to the absence of conclusive functional and genetic evidence.